The following is an entry in ClinVar:

ClinVar aggregate classification (germline): Uncertain significance. Review status: criteria provided, multiple submitters, no conflicts (2 of 4 stars). 2 submissions from 2 submitters: Uncertain significance (2). Last evaluated 2026-04-27.

Conditions:
Cardiovascular phenotype. Identifiers: MedGen CN230736.
Dilated cardiomyopathy 1W (CMD1W). Identifiers: Orphanet 154, MedGen C1969639, MONDO:0012667, OMIM 611407.

Allele frequency attached by ClinVar (database versions not stated): gnomAD exomes below 0.00001.
gnomAD v4.1: 2 of 1,614,224 alleles (0.00012%); highest among the groups gnomAD compares: East Asian, 0.0022%; no homozygotes.

Submissions (2):

Ambry Genetics
Classification: Uncertain significance for Cardiovascular phenotype. Last evaluated: 2026-04-27. Review status: criteria provided, single submitter. Criteria: Ambry Variant Classification Scheme 2023. Collection method: clinical testing. Allele origin: germline.
Comment: The p.S439P variant (also known as c.1315T>C), located in coding exon 10 of the VCL gene, results from a T to C substitution at nucleotide position 1315. The serine at codon 439 is replaced by proline, an amino acid with similar properties. This amino acid position is conserved. In addition, this alteration is predicted to be tolerated by in silico analysis. Based on the available evidence, the clinical significance of this variant remains unclear.

Labcorp Genetics (formerly Invitae), Labcorp
Classification: Uncertain significance for Dilated cardiomyopathy 1W. Last evaluated: 2025-05-23. Review status: criteria provided, single submitter. Criteria: Invitae Variant Classification Sherloc (09022015). Collection method: clinical testing. Allele origin: germline.
Comment: This sequence change replaces serine, which is neutral and polar, with proline, which is neutral and non-polar, at codon 439 of the VCL protein (p.Ser439Pro). This variant is present in population databases (no rsID available, gnomAD 0.006%). This variant has not been reported in the literature in individuals affected with VCL-related conditions. ClinVar contains an entry for this variant (Variation ID: 955001). An algorithm developed to predict the effect of missense changes on protein structure and function (PolyPhen-2) suggests that this variant is likely to be tolerated. In summary, the available evidence is currently insufficient to determine the role of this variant in disease. Therefore, it has been classified as a Variant of Uncertain Significance.

NM_014000.3(VCL):c.1315T>C (p.Ser439Pro)

Gene: VCL (vinculin; plus strand). Cytogenetic location: 10q22.2.
Variant type: single nucleotide variant.
Coding change: c.1315T>C on transcript NM_014000.3 (MANE Select); coding-DNA position 1315, T replaced by C.
Protein change: p.Ser439Pro; replaces serine 439 with proline.
Molecular consequence: missense variant.
Genome position (GRCh38, 1-based): chr10:74,090,161, T>C. VCF-style: chr10-74090161-T-C. GRCh37 (hg19) VCF-style: chr10-75849919-T-C.
Other names: c.1315T>C, p.Ser439Pro (NM_003373.4); short protein forms S439P.
Identifiers: ClinVar variation 955001 (VCV000955001.11), dbSNP rs1264504325, ClinGen allele CA377273354.
Genomic context (GRCh38, chr10:74,090,161, plus strand): 5'-GCAGAATTATGTGATGATCCTAAAGAAAGAGATGACATTCTACGTTCCCTTGGGGAAATA[T>C]CTGCTCTGACTTCTAAATTAGCAGATCTACGAAGACAGTATGTATTTAACCCTTACATTG-3'
Protein context (NP_054706.1, residues 429-449): DDILRSLGEI[Ser439Pro]ALTSKLADLR